The following is an entry in ClinVar:

ClinVar aggregate classification (germline): Likely pathogenic (1 of 4 stars; one submission).

Submission:

Labcorp Genetics (formerly Invitae), Labcorp
Classification: Likely pathogenic. Last evaluated: 2023-09-08. Review status: criteria provided, single submitter. Criteria: Invitae Variant Classification Sherloc (09022015). Collection method: clinical testing. Allele origin: germline.
Comment: This variant disrupts the p.Asn286 amino acid residue in TPP1. Other variant(s) that disrupt this residue have been determined to be pathogenic (PMID: 12376936, 14736728, 15317752, 19038966, 20340139). This suggests that this residue is clinically significant, and that variants that disrupt this residue are likely to be disease-causing. Algorithms developed to predict the effect of sequence changes on RNA splicing suggest that this variant may disrupt the consensus splice site. Advanced modeling of protein sequence and biophysical properties (such as structural, functional, and spatial information, amino acid conservation, physicochemical variation, residue mobility, and thermodynamic stability) performed at Invitae indicates that this missense variant is expected to disrupt TPP1 protein function. ClinVar contains an entry for this variant (Variation ID: 527750). In summary, the currently available evidence indicates that the variant is pathogenic, but additional data are needed to prove that conclusively. Therefore, this variant has been classified as Likely Pathogenic. This variant has not been reported in the literature in individuals affected with TPP1-related conditions. This variant is not present in population databases (gnomAD no frequency). This sequence change replaces asparagine, which is neutral and polar, with lysine, which is basic and polar, at codon 286 of the TPP1 protein (p.Asn286Lys).

Literature cited by the submitters: PubMed 12376936; PubMed 14736728; PubMed 15317752; PubMed 19038966; PubMed 20340139.

NM_000391.4(TPP1):c.858C>A (p.Asn286Lys)

Gene: TPP1 (tripeptidyl peptidase 1; minus strand). Cytogenetic location: 11p15.4.
Variant type: single nucleotide variant.
Coding change: c.858C>A on transcript NM_000391.4 (MANE Select); coding-DNA position 858, C replaced by A.
Protein change: p.Asn286Lys; replaces asparagine 286 with lysine.
Molecular consequence: missense variant.
Genome position (GRCh38, 1-based): chr11:6,616,689, G>T on the plus strand (C>A on the coding strand, the complement: TPP1 is on the minus strand). VCF-style: chr11-6616689-G-T. GRCh37 (hg19) VCF-style: chr11-6637920-G-T.
Other names: short protein forms N286K.
Identifiers: ClinVar variation 527750 (VCV000527750.9), dbSNP rs1420315178, ClinGen allele CA379474914.
Genomic context (GRCh38, chr11:6,616,689, plus strand): 5'-CCTTCCCCACTGTCCAGTCCTCTTGGTAGTACCAGGGCTACTGTAGACCCAGGTGGAGAT[G>T]TTGGCACCAGCACTCATCAGGTACTGCACATCTAGACTGGCCTCAATCCCGGCCCGGCCC-3'
Protein context (NP_000382.3, residues 276-296): DVQYLMSAGA[Asn286Lys]ISTWVYSSPG